The following is an entry in ClinVar:

NM_000868.4(HTR2C):c.621C>T (p.Cys207=)

Genes: HTR2C (5-hydroxytryptamine receptor 2C; plus strand), LOC126863306 (MED14-independent group 3 enhancer GRCh37_chrX:114140926-114142125; plus strand). Cytogenetic location: Xq23.
Variant type: single nucleotide variant.
Coding change: c.621C>T on transcript NM_000868.4 (MANE Select); coding-DNA position 621, C replaced by T.
Protein change: p.Cys207=; no amino-acid change (cysteine 207 retained).
Molecular consequence: synonymous variant. On other transcripts: missense variant (1).
Genome position (GRCh38, 1-based): chrX:114,906,659, C>T. VCF-style: chrX-114906659-C-T. GRCh37 (hg19) VCF-style: chrX-114141222-C-T.
Other names: c.621C>T, p.Cys207= (NM_001256760.3); c.526C>T, p.Arg176Cys (NM_001256761.3); short protein forms R176C.
Identifiers: ClinVar variation 3351195 (VCV003351195.1).

ClinVar aggregate classification (germline): Uncertain significance (0 of 4 stars; one submission).

Conditions:
HTR2C-related disorder. Also called: HTR2C-related condition.

gnomAD v4.1: 12 of 1,208,680 alleles (0.00099%); highest among the groups gnomAD compares: Admixed American, 0.0066%; no homozygotes.

Submission:

PreventionGenetics, part of Exact Sciences
Classification: Uncertain significance for HTR2C-related condition. Last evaluated: 2024-08-08. Review status: no assertion criteria provided. Collection method: clinical testing. Allele origin: germline.
Comment: The HTR2C c.526C>T variant is predicted to result in the amino acid substitution p.Arg176Cys. This variant does not lead to an amino acid change when annotated using the canonical transcript (NM_000868.3, c.621C>T, p.Cys207=). To our knowledge, this variant has not been reported in the literature. This variant is reported in 0.013% of alleles in individuals of Ashkenazi Jewish descent in gnomAD. At this time, the clinical significance of this variant is uncertain due to the absence of conclusive functional and genetic evidence.